The following is an entry in ClinVar:

ClinVar aggregate classification (germline): Uncertain significance (1 of 4 stars; one submission).

Conditions:
Parathyroid carcinoma (PRTC). Also called: CDC73-Related Parathyroid Carcinoma; Parathyroid gland carcinoma. Identifiers: Orphanet 143, MedGen C0687150, MONDO:0012004, OMIM 608266, HP:0006780.

Submission:

Labcorp Genetics (formerly Invitae), Labcorp
Classification: Uncertain significance for Parathyroid carcinoma. Last evaluated: 2025-08-05. Review status: criteria provided, single submitter. Criteria: Invitae Variant Classification Sherloc (09022015). Collection method: clinical testing. Allele origin: germline.
Comment: This sequence change replaces serine, which is neutral and polar, with glycine, which is neutral and non-polar, at codon 111 of the CDC73 protein (p.Ser111Gly). This variant is not present in population databases (gnomAD no frequency). This variant has not been reported in the literature in individuals affected with CDC73-related conditions. Invitae Evidence Modeling of protein sequence and biophysical properties (such as structural, functional, and spatial information, amino acid conservation, physicochemical variation, residue mobility, and thermodynamic stability) indicates that this missense variant is expected to disrupt CDC73 protein function with a positive predictive value of 80%. In summary, the available evidence is currently insufficient to determine the role of this variant in disease. Therefore, it has been classified as a Variant of Uncertain Significance.

NM_024529.5(CDC73):c.331A>G (p.Ser111Gly)

Gene: CDC73 (cell division cycle 73; plus strand). Cytogenetic location: 1q31.2.
Variant type: single nucleotide variant.
Coding change: c.331A>G on transcript NM_024529.5 (MANE Select); coding-DNA position 331, A replaced by G.
Protein change: p.Ser111Gly; replaces serine 111 with glycine.
Molecular consequence: missense variant.
Genome position (GRCh38, 1-based): chr1:193,135,414, A>G. VCF-style: chr1-193135414-A-G. GRCh37 (hg19) VCF-style: chr1-193104544-A-G.
Other names: short protein forms S111G.
Identifiers: ClinVar variation 4797328 (VCV004797328.1).